The following is an entry in ClinVar:

NM_001253697.2(ERBIN):c.2276A>G (p.Lys759Arg)

Gene: ERBIN (erbb2 interacting protein; plus strand). Cytogenetic location: 5q12.3.
Variant type: single nucleotide variant.
Coding change: c.2276A>G on transcript NM_001253697.2 (MANE Select); coding-DNA position 2276, A replaced by G.
Protein change: p.Lys759Arg; replaces lysine 759 with arginine.
Molecular consequence: missense variant.
Genome position (GRCh38, 1-based): chr5:66,053,594, A>G. VCF-style: chr5-66053594-A-G. GRCh37 (hg19) VCF-style: chr5-65349422-A-G.
Other names: c.2276A>G, p.Lys759Arg (NM_001006600.3, NM_001253698.2, NM_001253699.2 and 1 more transcripts); c.2264A>G, p.Lys755Arg (NM_001253701.2); short protein forms K755R, K759R.
Identifiers: ClinVar variation 2855149 (VCV002855149.3), dbSNP rs1000394210, ClinGen allele CA119867418.

ClinVar aggregate classification (germline): Uncertain significance (1 of 4 stars; one submission).

Allele frequency attached by ClinVar (database versions not stated): gnomAD exomes below 0.00001; gnomAD 0.00001.
gnomAD v4.1: 2 of 1,610,720 alleles (0.00012%); highest among the groups gnomAD compares: African/African-American, 0.0027%; no homozygotes.

Submission:

Labcorp Genetics (formerly Invitae), Labcorp
Classification: Uncertain significance. Last evaluated: 2025-08-24. Review status: criteria provided, single submitter. Criteria: Invitae Variant Classification Sherloc (09022015). Collection method: clinical testing. Allele origin: germline.
Comment: This sequence change replaces lysine, which is basic and polar, with arginine, which is basic and polar, at codon 759 of the ERBIN protein (p.Lys759Arg). This variant is not present in population databases (gnomAD no frequency). This variant has not been reported in the literature in individuals affected with ERBIN-related conditions. ClinVar contains an entry for this variant (Variation ID: 2855149). An algorithm developed to predict the effect of missense changes on protein structure and function outputs the following: PolyPhen-2: "Benign". The arginine amino acid residue is found in multiple mammalian species, which suggests that this missense change does not adversely affect protein function. In summary, the available evidence is currently insufficient to determine the role of this variant in disease. Therefore, it has been classified as a Variant of Uncertain Significance.